The following is an entry in ClinVar:

ClinVar aggregate classification (germline): Uncertain significance (1 of 4 stars; one submission).

Conditions:
Familial thoracic aortic aneurysm and aortic dissection (TAAD). Also called: Thoracic aortic aneurysms and dissections. Identifiers: Orphanet 91387, MedGen C4707243, MONDO:0019625.

Submission:

Ambry Genetics
Classification: Uncertain significance for Familial thoracic aortic aneurysm and aortic dissection. Last evaluated: 2024-05-19. Review status: criteria provided, single submitter. Criteria: Ambry Variant Classification Scheme 2023. Collection method: clinical testing. Allele origin: germline.
Comment: The p.I148F variant (also known as c.442A>T), located in coding exon 1 of the SKI gene, results from an A to T substitution at nucleotide position 442. The isoleucine at codon 148 is replaced by phenylalanine, an amino acid with highly similar properties. This amino acid position is conserved. In addition, this alteration is predicted to be deleterious by in silico analysis. Based on the available evidence, the clinical significance of this variant remains unclear.

NM_003036.4(SKI):c.442A>T (p.Ile148Phe)

Gene: SKI (SKI proto-oncogene; plus strand). Cytogenetic location: 1p36.33.
Variant type: single nucleotide variant.
Coding change: c.442A>T on transcript NM_003036.4 (MANE Select); coding-DNA position 442, A replaced by T.
Protein change: p.Ile148Phe; replaces isoleucine 148 with phenylalanine.
Molecular consequence: missense variant.
Genome position (GRCh38, 1-based): chr1:2,229,208, A>T. VCF-style: chr1-2229208-A-T. GRCh37 (hg19) VCF-style: chr1-2160647-A-T.
Other names: short protein forms I148F.
Identifiers: ClinVar variation 3318710 (VCV003318710.1).